The following is an entry in ClinVar:

NM_000083.3(CLCN1):c.1510A>G (p.Met504Val)

Gene: CLCN1 (chloride voltage-gated channel 1; plus strand). Cytogenetic location: 7q34.
Variant type: single nucleotide variant.
Coding change: c.1510A>G on transcript NM_000083.3 (MANE Select); coding-DNA position 1510, A replaced by G.
Protein change: p.Met504Val; replaces methionine 504 with valine.
Molecular consequence: missense variant. On other transcripts: non-coding transcript variant (1).
Genome position (GRCh38, 1-based): chr7:143,339,549, A>G. VCF-style: chr7-143339549-A-G. GRCh37 (hg19) VCF-style: chr7-143036642-A-G.
Other names: short protein forms M504V.
Identifiers: ClinVar variation 1043843 (VCV001043843.8), dbSNP rs1803022969, ClinGen allele CA369645677.
Genomic context (GRCh38, chr7:143,339,549, plus strand): 5'-CTTCCTTTTATCTTCCCTCTAGGAGCTGCATTTGGAAGGCTGGTAGGAGAAATCATGGCC[A>G]TGCTCTTTCCTGATGGTATTTTGTTTGATGACATCATCTACAAGATCCTACCTGGGGGCT-3'
Protein context (NP_000074.3, residues 494-514): FGRLVGEIMA[Met504Val]LFPDGILFDD

ClinVar aggregate classification (germline): Uncertain significance (1 of 4 stars; one submission).

Conditions:
Congenital myotonia, autosomal dominant form (THD). Also called: THOMSEN DISEASE; Myotonia congenita autosomal dominant. Identifiers: Orphanet 614, MedGen C2936781, MONDO:0008055, OMIM 160800.
Congenital myotonia, autosomal recessive form. Also called: Becker Generalized Myotonia; myotonia congenita, autosomal recessive; BECKER DISEASE. Identifiers: Orphanet 614, MedGen C0751360, MONDO:0009715, OMIM 255700.

Submission:

Labcorp Genetics (formerly Invitae), Labcorp
Classification: Uncertain significance for Congenital myotonia, autosomal recessive form; Congenital myotonia, autosomal dominant form. Last evaluated: 2022-07-19. Review status: criteria provided, single submitter. Criteria: Invitae Variant Classification Sherloc (09022015). Collection method: clinical testing. Allele origin: germline.
Comment: This sequence change replaces methionine, which is neutral and non-polar, with valine, which is neutral and non-polar, at codon 504 of the CLCN1 protein (p.Met504Val). In summary, the available evidence is currently insufficient to determine the role of this variant in disease. Therefore, it has been classified as a Variant of Uncertain Significance. Advanced modeling of protein sequence and biophysical properties (such as structural, functional, and spatial information, amino acid conservation, physicochemical variation, residue mobility, and thermodynamic stability) performed at Invitae indicates that this missense variant is not expected to disrupt CLCN1 protein function. ClinVar contains an entry for this variant (Variation ID: 1043843). This variant has not been reported in the literature in individuals affected with CLCN1-related conditions. This variant is not present in population databases (gnomAD no frequency).